The following is an entry in ClinVar:

NM_005633.4(SOS1):c.3347-17C>T

Gene: SOS1 (SOS Ras/Rac guanine nucleotide exchange factor 1; minus strand). Cytogenetic location: 2p22.1.
Variant type: single nucleotide variant.
Coding change: c.3347-17C>T on transcript NM_005633.4 (MANE Select); 17 bases into the intron before coding-DNA position 3347, C replaced by T.
Molecular consequence: intron variant.
Genome position (GRCh38, 1-based): chr2:38,989,331, G>A on the plus strand (C>T on the coding strand, the complement: SOS1 is on the minus strand). VCF-style: chr2-38989331-G-A. GRCh37 (hg19) VCF-style: chr2-39216472-G-A.
Other names: c.3326-17C>T (NM_001382394.1); c.3347-1740C>T (NM_001382395.1).
Identifiers: ClinVar variation 4887504 (VCV004887504.1).
Genomic context (GRCh38, chr2:38,989,331, plus strand): 5'-TGGGCCATGGGGCAGAGTAACTTGGATAAAGACGGTATCATTGCCTGTGAAAGGAAACAA[G>A]AAAAAGTAGATTTTTTTCTTTCATTGATATATTCAACTCATCTGCAAAAATTTGTATTAT-3'

ClinVar aggregate classification (germline): Likely benign (1 of 4 stars; one submission).

Submission:

Women's Health and Genetics/Laboratory Corporation of America, LabCorp
Classification: Likely benign. Last evaluated: 2026-06-04. Review status: criteria provided, single submitter. Criteria: LabCorp Variant Classification Summary - May 2015. Collection method: clinical testing. Allele origin: germline.
Comment: Variant summary: SOS1 c.3347-17C>T alters a nucleotide located at a position not widely known to affect splicing. Consensus agreement among computation tools predict no significant impact on normal splicing. However, these predictions have yet to be confirmed by functional studies. The variant was absent in 248976 control chromosomes. The available data on variant occurrences in the general population are insufficient to allow any conclusion about variant significance. To our knowledge, no occurrence of c.3347-17C>T in individuals affected with SOS1-related conditions and no experimental evidence demonstrating its impact on protein function have been reported. No submitters have cited clinical-significance assessments for this variant to ClinVar. Based on the evidence outlined above, the variant was classified as likely benign.